The following is an entry in ClinVar:

ClinVar aggregate classification (germline): Uncertain significance (1 of 4 stars; one submission).

Submission:

Labcorp Genetics (formerly Invitae), Labcorp
Classification: Uncertain significance. Last evaluated: 2025-03-25. Review status: criteria provided, single submitter. Criteria: Invitae Variant Classification Sherloc (09022015). Collection method: clinical testing. Allele origin: germline.
Comment: This sequence change replaces arginine, which is basic and polar, with lysine, which is basic and polar, at codon 837 of the MTOR protein (p.Arg837Lys). This variant is not present in population databases (gnomAD no frequency). This variant has not been reported in the literature in individuals affected with MTOR-related conditions. Invitae Evidence Modeling of protein sequence and biophysical properties (such as structural, functional, and spatial information, amino acid conservation, physicochemical variation, residue mobility, and thermodynamic stability) indicates that this missense variant is not expected to disrupt MTOR protein function with a negative predictive value of 95%. In summary, the available evidence is currently insufficient to determine the role of this variant in disease. Therefore, it has been classified as a Variant of Uncertain Significance.

NM_004958.4(MTOR):c.2510G>A (p.Arg837Lys)

Gene: MTOR (mechanistic target of rapamycin kinase; minus strand). Cytogenetic location: 1p36.22.
Variant type: single nucleotide variant.
Coding change: c.2510G>A on transcript NM_004958.4 (MANE Select); coding-DNA position 2510, G replaced by A.
Protein change: p.Arg837Lys; replaces arginine 837 with lysine.
Molecular consequence: missense variant.
Genome position (GRCh38, 1-based): chr1:11,232,440, C>T on the plus strand (G>A on the coding strand, the complement: MTOR is on the minus strand). VCF-style: chr1-11232440-C-T. GRCh37 (hg19) VCF-style: chr1-11292497-C-T.
Other names: c.2510G>A, p.Arg837Lys (NM_001386500.1); c.1262G>A, p.Arg421Lys (NM_001386501.1); short protein forms R421K, R837K.
Identifiers: ClinVar variation 4799840 (VCV004799840.1).